The following is an entry in ClinVar:

NM_015338.6(ASXL1):c.3358A>G (p.Lys1120Glu)

Gene: ASXL1 (ASXL transcriptional regulator 1; plus strand). Cytogenetic location: 20q11.21.
Variant type: single nucleotide variant.
Coding change: c.3358A>G on transcript NM_015338.6 (MANE Select); coding-DNA position 3358, A replaced by G.
Protein change: p.Lys1120Glu; replaces lysine 1120 with glutamic acid.
Molecular consequence: missense variant.
Genome position (GRCh38, 1-based): chr20:32,436,070, A>G. VCF-style: chr20-32436070-A-G. GRCh37 (hg19) VCF-style: chr20-31023873-A-G.
Other names: c.3175A>G, p.Lys1059Glu (NM_001363734.1); short protein forms K1059E, K1120E.
Identifiers: ClinVar variation 4589050 (VCV004589050.1).
Genomic context (GRCh38, chr20:32,436,070, plus strand): 5'-TCAGTGGAGGCCACTAACCCACTTGTGATGCAGTTGCTGCAGGGTAGCTTGCCCCTAGAG[A>G]AGGTTCTTCCACCAGCCCACGATGACAGCATGTCAGAATCCCCACAAGTACCACTTACAA-3'
Protein context (NP_056153.2, residues 1110-1130): QLLQGSLPLE[Lys1120Glu]VLPPAHDDSM

ClinVar aggregate classification (germline): Uncertain significance (1 of 4 stars; one submission).

Conditions:
Inborn genetic diseases. Identifiers: MedGen C0950123, MeSH D030342.

Submission:

Ambry Genetics
Classification: Uncertain significance for Inborn genetic diseases. Last evaluated: 2025-12-09. Review status: criteria provided, single submitter. Criteria: Ambry Variant Classification Scheme 2023. Collection method: clinical testing. Allele origin: germline.
Comment: The p.K1120E variant (also known as c.3358A>G), located in coding exon 13 of the ASXL1 gene, results from an A to G substitution at nucleotide position 3358. The lysine at codon 1120 is replaced by glutamic acid, an amino acid with similar properties. This amino acid position is conserved. In addition, this alteration is predicted to be tolerated by in silico analysis. Based on the available evidence, the clinical significance of this variant remains unclear.